The following is an entry in ClinVar:

NM_000384.3(APOB):c.1468C>T (p.Arg490Trp)

Gene: APOB (apolipoprotein B; minus strand). Cytogenetic location: 2p24.1.
Variant type: single nucleotide variant.
Coding change: c.1468C>T on transcript NM_000384.3 (MANE Select); coding-DNA position 1468, C replaced by T.
Protein change: p.Arg490Trp; replaces arginine 490 with tryptophan.
Molecular consequence: missense variant.
Genome position (GRCh38, 1-based): chr2:21,029,900, G>A on the plus strand (C>T on the coding strand, the complement: APOB is on the minus strand). VCF-style: chr2-21029900-G-A. GRCh37 (hg19) VCF-style: chr2-21252772-G-A.
Other names: c.1468C>T (NM_000384.2); short protein forms R490W.
Identifiers: ClinVar variation 1685527 (VCV001685527.16), dbSNP rs771541567, ClinGen allele CA053659.
Genomic context (GRCh38, chr2:21,029,900, plus strand): 5'-AGGTGTCCAGGAAAAGTGCTTCTGAAATGATGTATGTCATATAAAAGACTGAGATTACCC[G>A]CAGAATCAAATAGGTGTAATCTTCATCCCCAGTGCAGTCATCTTGAATCTGTTCCATCAG-3'
Protein context (NP_000375.3, residues 480-500): GDEDYTYLIL[Arg490Trp]VIGNMGQTME

ClinVar aggregate classification (germline): Pathogenic/Likely pathogenic. Review status: criteria provided, multiple submitters, no conflicts (2 of 4 stars). 9 submissions from 9 submitters: Pathogenic (7); Likely pathogenic (2). Last evaluated 2026-06-09.

Conditions:
APOB-related disorder. Also called: APOB-related condition; APOB-related disorders.
Hypercholesterolemia, autosomal dominant, type B (FHCL2). Also called: Familial hypercholesterolemia 2; APOB-Related Familial Hypercholesterolemia, Autosomal Dominant; Familial Hypercholesterolemia Type B; Hyperlipoproteinemia Type IIb; APOLIPOPROTEIN B-100, FAMILIAL DEFECTIVE; APOLIPOPROTEIN B-100, FAMILIAL LIGAND-DEFECTIVE. Identifiers: MedGen C1704417, MONDO:0007751, OMIM 144010.
Familial hypobetalipoproteinemia 1. Also called: Acanthocytosis with hypobetalipoproteinemia; APOB-Related Familial Hypobetalipoproteinemia; Hypobetalipoproteinemia, normotriglyceridemic. Identifiers: MedGen C4551990, MONDO:0014252, OMIM 615558.
Cardiovascular phenotype. Identifiers: MedGen CN230736.

gnomAD v4.1: 12 of 1,610,760 alleles (0.00074%); highest among the groups gnomAD compares: South Asian, 0.0011%; no homozygotes.

Submissions (9):

Ambry Genetics
Classification: Likely pathogenic for Cardiovascular phenotype. Last evaluated: 2026-06-09. Review status: criteria provided, single submitter. Criteria: Ambry Variant Classification Scheme 2023. Collection method: clinical testing. Allele origin: germline.
Comment: The p.R490W variant (also known as c.1468C>T), located in coding exon 11 of the APOB gene, results from a C to T substitution at nucleotide position 1468. The arginine at codon 490 is replaced by tryptophan, an amino acid with dissimilar properties. This variant has been identified in the homozygous state and/or in conjunction with other APOB variant(s) in individual(s) with features consistent with APOB-related hypobetalipoproteinemia (Burnett JR et al. J Biol Chem, 2003 Apr;278:13442-52). This variant has also been detected in the heterozygous state in individual(s) with features consistent with APOB-related hypobetalipoproteinemia (Rimbert A et al. Arterioscler Thromb Vasc Biol, 2021 Jan;41:e63-e71; Tada H et al. Intern Med, 2024 Oct;63:2637-2640). In an assay testing APOB function, this variant showed a functionally abnormal result (Burnett JR et al. J Biol Chem, 2007 Aug;282:24270-83). This amino acid position is well conserved in available vertebrate species. In addition, the in silico prediction for this alteration is inconclusive. Based on the majority of available evidence to date, this variant is likely to be pathogenic for autosomal recessive APOB-related hypobetalipoproteinemia when present along with a second pathogenic variant on the other allele; however, it is unlikely to be causative of autosomal APOB-related familial hypercholesterolemia.

Genomic Medicine Center of Excellence, King Faisal Specialist Hospital and Research Centre
Classification: Likely pathogenic for Familial hypobetalipoproteinemia 1. Last evaluated: 2025-09-10. Review status: criteria provided, single submitter. Criteria: ACMG Guidelines, 2015. Collection method: clinical testing. Allele origin: germline.

CeGaT Center for Human Genetics Tuebingen
Classification: Pathogenic. Last evaluated: 2025-08-01. Review status: criteria provided, single submitter. Criteria: CeGaT Center For Human Genetics Tuebingen Variant Classification Criteria Version 2. Collection method: clinical testing. Allele origin: germline. Affected: yes. Observed: 1 variant allele.
Comment: APOB: PP1:Strong, PM2, PS4:Moderate, PP3, PS3:Supporting

GeneDx
Classification: Pathogenic. Last evaluated: 2025-06-04. Review status: criteria provided, single submitter. Criteria: GeneDx Variant Classification Process June 2021. Collection method: clinical testing. Allele origin: germline. Affected: yes.
Comment: Not observed at significant frequency in large population cohorts (gnomAD); In silico analysis supports a deleterious effect on splicing; In silico analysis supports that this missense variant has a deleterious effect on protein structure/function; Also reported as R463W due to alternate nomenclature; This variant is associated with the following publications: (PMID: 34564380, 25525159, 17588943, 28733173, 33207932, 27535533, 12551903, 19344897)

Labcorp Genetics (formerly Invitae), Labcorp
Classification: Pathogenic for Familial hypobetalipoproteinemia 1; Hypercholesterolemia, autosomal dominant, type B. Last evaluated: 2024-01-30. Review status: criteria provided, single submitter. Criteria: Invitae Variant Classification Sherloc (09022015). Collection method: clinical testing. Allele origin: germline.
Comment: This sequence change replaces arginine, which is basic and polar, with tryptophan, which is neutral and slightly polar, at codon 490 of the APOB protein (p.Arg490Trp). The frequency data for this variant in the population databases is considered unreliable, as metrics indicate poor data quality at this position in the gnomAD database. This missense change has been observed in individual(s) with hypobetalipoproteinemia (PMID: 12551903, 33207932, 34564380). It has also been observed to segregate with disease in related individuals. This variant is also known as R463W. ClinVar contains an entry for this variant (Variation ID: 1685527). An algorithm developed to predict the effect of missense changes on protein structure and function (PolyPhen-2) suggests that this variant is likely to be disruptive. Experimental studies have shown that this missense change affects APOB function (PMID: 12551903). Algorithms developed to predict the effect of sequence changes on RNA splicing suggest that this variant may disrupt the consensus splice site. For these reasons, this variant has been classified as Pathogenic.

PreventionGenetics, part of Exact Sciences
Classification: Pathogenic for APOB-related condition. Last evaluated: 2023-04-04. Review status: criteria provided, single submitter. Criteria: ACMG Guidelines, 2015. Collection method: clinical testing. Allele origin: germline.
Comment: The APOB c.1468C>T variant is predicted to result in the amino acid substitution p.Arg490Trp. This variant is also described using legacy nomenclature as p.Arg463Trp, has been reported in heterozygous state in multiple individuals with Familial hypobetalipoproteinemia in unrelated family studies (Burnett et al. 2003. PubMed ID: 12551903; Ayoub et al. 2021. PubMed ID: 34564380). Functional studies showed that this variant can decrease the plasma levels of PCSK9 and impair apoB secretion (Burnett et al. 2003. PubMed ID: 12551903; Ayoub et al. 2021. PubMed ID: 34564380). This variant is reported in 0.0018% of alleles in individuals of European (Non-Finnish) descent in gnomAD. This variant is interpreted as pathogenic.

Blueprint Genetics
Classification: Pathogenic for APOB-related disorders. Last evaluated: 2023-01-20. Review status: criteria provided, single submitter. Criteria: ACMG Guidelines, 2015. Collection method: clinical testing. Allele origin: germline. Affected: yes. Observed: 4 variant alleles.

Mendelics
Classification: Pathogenic for Hypercholesterolemia, autosomal dominant, type B. Last evaluated: 2022-05-04. Review status: criteria provided, single submitter. Criteria: Mendelics Assertion Criteria 2019. Collection method: clinical testing. Allele origin: germline.

Juno Genomics, Hangzhou Juno Genomics, Inc
Classification: Pathogenic for Hypercholesterolemia, autosomal dominant, type B; Familial hypobetalipoproteinemia 1. Review status: criteria provided, single submitter. Criteria: ACMG Guidelines, 2015. Collection method: clinical testing. Allele origin: germline.
Comment: Absent from controls (or at extremely low frequency if recessive) in Genome Aggregation Database.;The prevalence of the variant in affected individuals is significantly increased compared to the prevalence in controls.;Co-segregation with disease in multiple affected family members.;Located in a mutational hot spot and/or critical and well-established functional domain without benign variation.;Well-established in vitro or in vivo functional studies supportive of a damaging effect on the gene or gene product.

Literature cited by the submitters: PubMed 12551903 (cited by Ambry Genetics and Labcorp Genetics (formerly Invitae), Labcorp); PubMed 17588943 (cited by Ambry Genetics); PubMed 19344897 (cited by Ambry Genetics); PubMed 28733173 (cited by Ambry Genetics); PubMed 33207932 (cited by Ambry Genetics and Labcorp Genetics (formerly Invitae), Labcorp); PubMed 34564380 (cited by Ambry Genetics and Labcorp Genetics (formerly Invitae), Labcorp); PubMed 38369355 (cited by Ambry Genetics).